The following is an entry in ClinVar:

ClinVar aggregate classification (germline): Uncertain significance. Review status: criteria provided, multiple submitters, no conflicts (2 of 4 stars). 2 submissions from 2 submitters: Uncertain significance (2). Last evaluated 2025-04-18.

Conditions:
Hereditary cancer-predisposing syndrome. Also called: Neoplastic Syndromes, Hereditary; Hereditary Cancer Syndrome; Tumor predisposition; Hereditary neoplastic syndrome. Identifiers: Orphanet 140162, MedGen C0027672, MeSH D009386, MONDO:0015356.

Submissions (2):

Ambry Genetics
Classification: Uncertain significance for Hereditary cancer-predisposing syndrome. Last evaluated: 2025-04-18. Review status: criteria provided, single submitter. Criteria: Ambry Variant Classification Scheme 2023. Collection method: clinical testing. Allele origin: germline.
Comment: The p.K954T variant (also known as c.2861A>C), located in coding exon 24 of the POLE gene, results from an A to C substitution at nucleotide position 2861. The lysine at codon 954 is replaced by threonine, an amino acid with similar properties. This amino acid position is conserved. In addition, the in silico prediction for this alteration is inconclusive. Based on the available evidence, the clinical significance of this variant remains unclear.

Women's Health and Genetics/Laboratory Corporation of America, LabCorp
Classification: Uncertain significance. Last evaluated: 2024-10-06. Review status: criteria provided, single submitter. Criteria: LabCorp Variant Classification Summary - May 2015. Collection method: clinical testing. Allele origin: germline.

NM_006231.4(POLE):c.2861A>C (p.Lys954Thr)

Gene: POLE (DNA polymerase epsilon, catalytic subunit; minus strand). Cytogenetic location: 12q24.33.
Variant type: single nucleotide variant.
Coding change: c.2861A>C on transcript NM_006231.4 (MANE Select); coding-DNA position 2861, A replaced by C.
Protein change: p.Lys954Thr; replaces lysine 954 with threonine.
Molecular consequence: missense variant.
Genome position (GRCh38, 1-based): chr12:132,661,530, T>G on the plus strand (A>C on the coding strand, the complement: POLE is on the minus strand). VCF-style: chr12-132661530-T-G. GRCh37 (hg19) VCF-style: chr12-133238116-T-G.
Other names: c.2861A>C (NM_006231.2); short protein forms K954T.
Identifiers: ClinVar variation 3384921 (VCV003384921.2).